The following is an entry in ClinVar:

ClinVar aggregate classification (germline): Uncertain significance (1 of 4 stars; one submission).

Conditions:
Inborn genetic diseases. Identifiers: MedGen C0950123, MeSH D030342.

gnomAD v4.1: 2 of 1,614,184 alleles (0.00012%); highest among the groups gnomAD compares: Non-Finnish European, 0.00017%; no homozygotes.

Submission:

Ambry Genetics
Classification: Uncertain significance for Inborn genetic diseases. Last evaluated: 2026-08-08. Review status: criteria provided, single submitter. Criteria: Ambry Variant Classification Scheme 2023. Collection method: clinical testing. Allele origin: germline.
Comment: The p.M32V variant (also known as c.94A>G), located in coding exon 2 of the CAV1 gene, results from an A to G substitution at nucleotide position 94. The methionine at codon 32 is replaced by valine, an amino acid with highly similar properties. This amino acid position is conserved. In addition, this alteration is predicted to be deleterious by in silico analysis. Based on the available evidence, the clinical significance of this variant remains unclear.

NM_001753.5(CAV1):c.94A>G (p.Met32Val)

Gene: CAV1 (caveolin 1; plus strand). Cytogenetic location: 7q31.2.
Variant type: single nucleotide variant.
Coding change: c.94A>G on transcript NM_001753.5 (MANE Select); coding-DNA position 94, A replaced by G.
Protein change: p.Met32Val; replaces methionine 32 with valine.
Molecular consequence: missense variant. On other transcripts: initiator codon variant (3).
Genome position (GRCh38, 1-based): chr7:116,526,588, A>G. VCF-style: chr7-116526588-A-G. GRCh37 (hg19) VCF-style: chr7-116166642-A-G.
Other names: c.1A>G, p.Met1Val (NM_001172895.1, NM_001172896.2, NM_001172897.2); short protein forms M1V, M32V.
Identifiers: ClinVar variation 5033709 (VCV005033709.1).
Genomic context (GRCh38, chr7:116,526,588, plus strand): 5'-CATCTCTACACCGTTCCCATCCGGGAACAGGGCAACATCTACAAGCCCAACAACAAGGCC[A>G]TGGCAGACGAGCTGAGCGAGAAGCAAGTGTACGACGCGCACACCAAGGAGATCGACCTGG-3'
Protein context (NP_001744.2, residues 22-42): GNIYKPNNKA[Met32Val]ADELSEKQVY